The following is an entry in ClinVar:

NM_000052.7(ATP7A):c.2917-2A>G

Gene: ATP7A (ATPase copper transporting alpha; plus strand). Cytogenetic location: Xq21.1.
Variant type: single nucleotide variant.
Coding change: c.2917-2A>G on transcript NM_000052.7 (MANE Select); the canonical splice acceptor site of the intron before coding-DNA position 2917, A replaced by G.
Molecular consequence: splice acceptor variant.
Genome position (GRCh38, 1-based): chrX:78,029,248, A>G. VCF-style: chrX-78029248-A-G. GRCh37 (hg19) VCF-style: chrX-77284745-A-G.
Other names: c.2683-2A>G (NM_001282224.2).
Identifiers: ClinVar variation 3767597 (VCV003767597.1).

ClinVar aggregate classification (germline): Pathogenic (1 of 4 stars; one submission).

Submission:

GeneDx
Classification: Pathogenic. Last evaluated: 2024-09-05. Review status: criteria provided, single submitter. Criteria: GeneDx Variant Classification Process June 2021. Collection method: clinical testing. Allele origin: germline. Affected: yes.
Comment: Has not been previously published as pathogenic or benign to our knowledge; Canonical splice site variant predicted to result in an in-frame loss of the adjacent exon in a gene for which loss of function is a known mechanism of disease; Not observed at significant frequency in large population cohorts (gnomAD)